The following is an entry in ClinVar:

NM_172107.4(KCNQ2):c.928-228G>A

Gene: KCNQ2 (potassium voltage-gated channel subfamily Q member 2; minus strand). Cytogenetic location: 20q13.33.
Variant type: single nucleotide variant.
Coding change: c.928-228G>A on transcript NM_172107.4 (MANE Select); 228 bases into the intron before coding-DNA position 928, G replaced by A.
Molecular consequence: intron variant.
Genome position (GRCh38, 1-based): chr20:63,438,948, C>T on the plus strand (G>A on the coding strand, the complement: KCNQ2 is on the minus strand). VCF-style: chr20-63438948-C-T. GRCh37 (hg19) VCF-style: chr20-62070301-C-T.
Other names: c.928-228G>A (NM_004518.6, NM_172108.5, NM_172106.3 and 1 more transcripts).
Identifiers: ClinVar variation 682045 (VCV000682045.1), dbSNP rs914476, ClinGen allele CA14765891.

ClinVar aggregate classification (germline): Benign (1 of 4 stars; one submission).

Allele frequency attached by ClinVar (database versions not stated): 1000 Genomes Project 0.10923; 1000 Genomes Project 30x 0.11040; TOPMed 0.16856; gnomAD 0.19801.
gnomAD v4.1: 28,076 of 152,070 alleles (18%); highest among the groups gnomAD compares: Non-Finnish European, 27%; 3,366 homozygotes.

Submission:

GeneDx
Classification: Benign. Last evaluated: 2018-06-19. Review status: criteria provided, single submitter. Criteria: GeneDx Variant Classification (06012015). Collection method: clinical testing. Allele origin: germline. Affected: yes.
Comment: This variant is considered likely benign or benign based on one or more of the following criteria: it is a conservative change, it occurs at a poorly conserved position in the protein, it is predicted to be benign by multiple in silico algorithms, and/or has population frequency not consistent with disease.